The following is an entry in ClinVar:

ClinVar aggregate classification (germline): Uncertain significance (1 of 4 stars; one submission).

Allele frequency attached by ClinVar (database versions not stated): TOPMed 0.00006; gnomAD 0.00008; gnomAD exomes 0.00008; ExAC 0.00015; 1000 Genomes Project 0.00020; ESP Exome Variant Server 0.00023; 1000 Genomes Project 30x 0.00031.
gnomAD v4.1: 141 of 1,614,052 alleles (0.0087%); highest among the groups gnomAD compares: Middle Eastern, 0.083%; 1 homozygote.

Submission:

Labcorp Genetics (formerly Invitae), Labcorp
Classification: Uncertain significance. Last evaluated: 2025-06-13. Review status: criteria provided, single submitter. Criteria: Invitae Variant Classification Sherloc (09022015). Collection method: clinical testing. Allele origin: germline.
Comment: This sequence change replaces aspartic acid, which is acidic and polar, with valine, which is neutral and non-polar, at codon 1547 of the FAT2 protein (p.Asp1547Val). This variant is present in population databases (rs181713234, gnomAD 0.05%). This variant has not been reported in the literature in individuals affected with FAT2-related conditions. ClinVar contains an entry for this variant (Variation ID: 2064605). Invitae Evidence Modeling of protein sequence and biophysical properties (such as structural, functional, and spatial information, amino acid conservation, physicochemical variation, residue mobility, and thermodynamic stability) indicates that this missense variant is not expected to disrupt FAT2 protein function with a negative predictive value of 80%. In summary, the available evidence is currently insufficient to determine the role of this variant in disease. Therefore, it has been classified as a Variant of Uncertain Significance.

NM_001447.3(FAT2):c.4640A>T (p.Asp1547Val)

Genes: FAT2 (FAT atypical cadherin 2; minus strand), SLC36A1 (solute carrier family 36 member 1; plus strand). Cytogenetic location: 5q33.1.
Variant type: single nucleotide variant.
Coding change: c.4640A>T on transcript NM_001447.3 (MANE Select); coding-DNA position 4640, A replaced by T.
Protein change: p.Asp1547Val; replaces aspartic acid 1547 with valine.
Molecular consequence: missense variant.
Genome position (GRCh38, 1-based): chr5:151,549,444, T>A on the plus strand (A>T on the coding strand, the complement: FAT2 is on the minus strand). VCF-style: chr5-151549444-T-A. GRCh37 (hg19) VCF-style: chr5-150929005-T-A.
Other names: short protein forms D1547V.
Identifiers: ClinVar variation 2064605 (VCV002064605.4), dbSNP rs181713234, ClinGen allele CA3521491.
Genomic context (GRCh38, chr5:151,549,444, plus strand): 5'-GTGTCAGGAACACTTGCCTCATAATGGAGCTGAGTGAAGCGGGGTGGGTGGAGGTTTCCA[T>A]CCTCCACATGAATGGTCACCCACACGAAGTTCCTCTTGATAGGTATTTCCTGGTCTCGGA-3'
Protein context (NP_001438.1, residues 1537-1557): NFVWVTIHVE[Asp1547Val]GNLHPPRFTQ